The following is an entry in ClinVar:

NM_005251.3(FOXC2):c.122A>G (p.Tyr41Cys)

Genes: FOXC2 (forkhead box C2; plus strand), FOXC2-AS1 (FOXC2 antisense RNA 1; minus strand). Cytogenetic location: 16q24.1.
Variant type: single nucleotide variant.
Coding change: c.122A>G on transcript NM_005251.3 (MANE Select); coding-DNA position 122, A replaced by G.
Protein change: p.Tyr41Cys; replaces tyrosine 41 with cysteine.
Molecular consequence: missense variant.
Genome position (GRCh38, 1-based): chr16:86,567,457, A>G. VCF-style: chr16-86567457-A-G. GRCh37 (hg19) VCF-style: chr16-86601063-A-G.
Other names: short protein forms Y41C.
Identifiers: ClinVar variation 4026210 (VCV004026210.2).
Genomic context (GRCh38, chr16:86,567,457, plus strand): 5'-AGCAGAATTACTACCGGGCTGCGGGCAGCTACGGCGGCATGGCCAGCCCCATGGGCGTCT[A>G]TTCCGGCCACCCGGAGCAGTACAGCGCGGGGATGGGCCGCTCCTACGCGCCCTACCACCA-3'
Protein context (NP_005242.1, residues 31-51): YGGMASPMGV[Tyr41Cys]SGHPEQYSAG

ClinVar aggregate classification (germline): Uncertain significance. Review status: criteria provided, multiple submitters, no conflicts (2 of 4 stars). 2 submissions from 2 submitters: Uncertain significance (2). Last evaluated 2025-05-15.

Conditions:
Inborn genetic diseases. Identifiers: MedGen C0950123, MeSH D030342.
Distichiasis-lymphedema syndrome. Also called: LYMPHEDEMA WITH DISTICHIASIS. Identifiers: Orphanet 33001, MedGen C0265345, MONDO:0007922, OMIM 153400.

Submissions (2):

Ambry Genetics
Classification: Uncertain significance for Inborn genetic diseases. Last evaluated: 2025-05-15. Review status: criteria provided, single submitter. Criteria: Ambry Variant Classification Scheme 2023. Collection method: clinical testing. Allele origin: germline.

Clinical Genomics Laboratory, Washington University in St. Louis
Classification: Uncertain significance for Distichiasis-lymphedema syndrome. Last evaluated: 2025-02-13. Review status: criteria provided, single submitter. Criteria: ACMG Guidelines, 2015. Collection method: clinical testing. Allele origin: germline.
Comment: The FOXC2 c.122A>G (p.Tyr41Cys) variant was identified at a heterozygous allelic fraction of 50.7%, a frequency which may be consistent with it being of germline origin. This variant, to our knowledge, has not been reported in the medical literature, and it is observed on 17/1,613,286 alleles in the general population (gnomAD v.4.1.0). Computational predictors suggest that the variant is damaging, evidence that may correlate with impact on FOXC2 function. Due to limited information, and based on ACMG/AMP guidelines for variant interpretation (Richards S et al., PMID: 25741868), the clinical significance of this variant is uncertain at this time.